The following is an entry in ClinVar:

ClinVar aggregate classification (germline): Uncertain significance (1 of 4 stars; one submission).

gnomAD v4.1: 29 of 1,595,494 alleles (0.0018%); highest among the groups gnomAD compares: Non-Finnish European, 0.0021%; no homozygotes.

Submission:

Labcorp Genetics (formerly Invitae), Labcorp
Classification: Uncertain significance. Last evaluated: 2025-02-04. Review status: criteria provided, single submitter. Criteria: Invitae Variant Classification Sherloc (09022015). Collection method: clinical testing. Allele origin: germline.
Comment: This sequence change replaces valine, which is neutral and non-polar, with isoleucine, which is neutral and non-polar, at codon 369 of the SLC30A7 protein (p.Val369Ile). This variant is present in population databases (rs767110366, gnomAD 0.003%). This variant has not been reported in the literature in individuals affected with SLC30A7-related conditions. An algorithm developed to predict the effect of missense changes on protein structure and function (PolyPhen-2) suggests that this variant is likely to be tolerated. In summary, the available evidence is currently insufficient to determine the role of this variant in disease. Therefore, it has been classified as a Variant of Uncertain Significance.

NM_133496.5(SLC30A7):c.1105G>A (p.Val369Ile)

Gene: SLC30A7 (solute carrier family 30 member 7; plus strand). Cytogenetic location: 1p21.2.
Variant type: single nucleotide variant.
Coding change: c.1105G>A on transcript NM_133496.5 (MANE Select); coding-DNA position 1105, G replaced by A.
Protein change: p.Val369Ile; replaces valine 369 with isoleucine.
Molecular consequence: missense variant.
Genome position (GRCh38, 1-based): chr1:100,974,831, G>A. VCF-style: chr1-100974831-G-A. GRCh37 (hg19) VCF-style: chr1-101440387-G-A.
Other names: c.1105G>A, p.Val369Ile (NM_001144884.2); short protein forms V369I.
Identifiers: ClinVar variation 4749323 (VCV004749323.1).